The following is an entry in ClinVar:

NM_018263.6(ASXL2):c.3892G>C (p.Ala1298Pro)

Gene: ASXL2 (ASXL transcriptional regulator 2; minus strand). Cytogenetic location: 2p23.3.
Variant type: single nucleotide variant.
Coding change: c.3892G>C on transcript NM_018263.6 (MANE Select); coding-DNA position 3892, G replaced by C.
Protein change: p.Ala1298Pro; replaces alanine 1298 with proline.
Molecular consequence: missense variant.
Genome position (GRCh38, 1-based): chr2:25,742,445, C>G on the plus strand (G>C on the coding strand, the complement: ASXL2 is on the minus strand). VCF-style: chr2-25742445-C-G. GRCh37 (hg19) VCF-style: chr2-25965314-C-G.
Other names: c.3718G>C, p.Ala1240Pro (NM_001369346.1); c.3112G>C, p.Ala1038Pro (NM_001369347.1); short protein forms A1240P, A1298P, A1038P.
Identifiers: ClinVar variation 2227716 (VCV002227716.2), dbSNP rs2465302941, ClinGen allele CA346075405.

ClinVar aggregate classification (germline): Uncertain significance (1 of 4 stars; one submission).

Conditions:
Inborn genetic diseases. Identifiers: MedGen C0950123, MeSH D030342.

Submission:

Ambry Genetics
Classification: Uncertain significance for Inborn genetic diseases. Last evaluated: 2020-10-30. Review status: criteria provided, single submitter. Criteria: Ambry Variant Classification Scheme 2023. Collection method: clinical testing. Allele origin: germline.
Comment: The c.3892G>C (p.A1298P) alteration is located in exon 13 (coding exon 13) of the ASXL2 gene. This alteration results from a G to C substitution at nucleotide position 3892, causing the alanine (A) at amino acid position 1298 to be replaced by a proline (P). Based on data from the Genome Aggregation Database (gnomAD), the ASXL2 c.3892G>C alteration was not observed, with coverage at this position. This amino acid position is not well conserved in available vertebrate species. The p.A1298P alteration is predicted to be tolerated by in silico analysis. Based on insufficient or conflicting evidence, the clinical significance of this alteration remains unclear.